The following is an entry in ClinVar:

ClinVar aggregate classification (germline): Conflicting classifications of pathogenicity. Review status: criteria provided, conflicting classifications (1 of 4 stars). 3 submissions from 3 submitters: Uncertain significance (1); Likely benign (2). Last evaluated 2025-10-29.

Conditions:
Inborn genetic diseases. Identifiers: MedGen C0950123, MeSH D030342.

Allele frequency attached by ClinVar (database versions not stated): gnomAD exomes 0.00002.
gnomAD v4.1: 34 of 1,613,220 alleles (0.0021%); highest among the groups gnomAD compares: Admixed American, 0.035%; no homozygotes.

Submissions (3):

Labcorp Genetics (formerly Invitae), Labcorp
Classification: Likely benign. Last evaluated: 2025-10-29. Review status: criteria provided, single submitter. Criteria: Invitae Variant Classification Sherloc (09022015). Collection method: clinical testing. Allele origin: germline.

Ambry Genetics
Classification: Likely benign for Inborn genetic diseases. Last evaluated: 2024-11-18. Review status: criteria provided, single submitter. Criteria: Ambry Variant Classification Scheme 2023. Collection method: clinical testing. Allele origin: germline.

GeneDx
Classification: Uncertain significance. Last evaluated: 2024-10-08. Review status: criteria provided, single submitter. Criteria: GeneDx Variant Classification Process June 2021. Collection method: clinical testing. Allele origin: germline.
Comment: In silico analysis indicates that this variant does not alter splicing; Has not been previously published as pathogenic or benign to our knowledge

NM_001987.5(ETV6):c.843C>G (p.Pro281=)

Gene: ETV6 (ETS variant transcription factor 6; plus strand). Cytogenetic location: 12p13.2.
Variant type: single nucleotide variant.
Coding change: c.843C>G on transcript NM_001987.5 (MANE Select); coding-DNA position 843, C replaced by G.
Protein change: p.Pro281=; no amino-acid change (proline 281 retained).
Molecular consequence: synonymous variant.
Genome position (GRCh38, 1-based): chr12:11,869,803, C>G. VCF-style: chr12-11869803-C-G. GRCh37 (hg19) VCF-style: chr12-12022737-C-G.
Other names: c.840C>G, p.Pro280= (NM_001413913.1); c.816C>G, p.Pro272= (NM_001413914.1); c.579C>G, p.Pro193= (NM_001413915.1); c.843C>G, p.Pro281= (NM_001413916.1, NM_001413917.1).
Identifiers: ClinVar variation 1988874 (VCV001988874.7), dbSNP rs774594728, ClinGen allele CA6454339.